The following is an entry in ClinVar:

NM_001886.3(CRYBA4):c.464_465delinsAT (p.Pro155His)

Gene: CRYBA4 (crystallin beta A4; plus strand). Cytogenetic location: 22q12.1.
Variant type: Indel.
Coding change: c.464_465delinsAT on transcript NM_001886.3 (MANE Select); coding-DNA positions 464 to 465, CG replaced by AT.
Protein change: p.Pro155His; replaces proline 155 with histidine.
Molecular consequence: missense variant.
Genome position (GRCh38, 1-based): chr22:26,630,360-26,630,361, CG replaced by AT. VCF-style: chr22-26630360-CG-AT. GRCh37 (hg19) VCF-style: chr22-27026324-CG-AT.
Other names: short protein forms P155H.
Identifiers: ClinVar variation 4999784 (VCV004999784.1).

ClinVar aggregate classification (germline): Uncertain significance (1 of 4 stars; one submission).

Conditions:
CRYBA4-related disorder. Also called: CRYBA4-related condition.

Submission:

PreventionGenetics, part of Exact Sciences
Classification: Uncertain significance for CRYBA4-related condition. Last evaluated: 2025-02-13. Review status: criteria provided, single submitter. Criteria: ACMG Guidelines, 2015. Collection method: clinical testing. Allele origin: germline.
Comment: The CRYBA4 c.464_465delinsAT variant is predicted to result in an in-frame deletion and insertion. To our knowledge, this variant has not been reported in the literature or in a large population database (gnomAD), indicating this variant is rare. Of note, a different variant impacting the same amino acid (p.Pro155Leu) has been reported in a patient with high myopia and cataract (Supplemental Table 1 in Haarman et al. 2022. PubMed ID: 35567543). At this time, the clinical significance of the c.464_465delinsAT (p.Pro155His) variant is uncertain due to the absence of conclusive functional and genetic evidence.